The following is an entry in ClinVar:

NM_004621.6(TRPC6):c.329A>C (p.Asn110Thr)

Gene: TRPC6 (transient receptor potential cation channel subfamily C member 6; minus strand). Cytogenetic location: 11q22.1.
Variant type: single nucleotide variant.
Coding change: c.329A>C on transcript NM_004621.6 (MANE Select); coding-DNA position 329, A replaced by C.
Protein change: p.Asn110Thr; replaces asparagine 110 with threonine.
Molecular consequence: missense variant.
Genome position (GRCh38, 1-based): chr11:101,504,640, T>G on the plus strand (A>C on the coding strand, the complement: TRPC6 is on the minus strand). VCF-style: chr11-101504640-T-G. GRCh37 (hg19) VCF-style: chr11-101375371-T-G.
Other names: c.329A>C, p.Asn110Thr (NM_001439335.1); short protein forms N110T.
Identifiers: ClinVar variation 4994424 (VCV004994424.1).
Genomic context (GRCh38, chr11:101,504,640, plus strand): 5'-TCCACACAGTTAACGTTGAGTGAGTGGCATTCTTCTAACATCTTCCGCACCACTGGGATG[T>G]TACCATATTCAGCTGCATCCAAAAAGCGTTCCTCCTCTATAGATAGGCTTGTGGAGCGAT-3'
Protein context (NP_004612.2, residues 100-120): ERFLDAAEYG[Asn110Thr]IPVVRKMLEE

ClinVar aggregate classification (germline): Likely pathogenic (1 of 4 stars; one submission).

Conditions:
TRPC6-related disorder. Also called: TRPC6-related condition.

Submission:

PreventionGenetics, part of Exact Sciences
Classification: Likely pathogenic for TRPC6-related condition. Last evaluated: 2026-03-11. Review status: criteria provided, single submitter. Criteria: ACMG Guidelines, 2015. Collection method: clinical testing. Allele origin: germline.
Comment: The TRPC6 c.329A>C variant is predicted to result in the amino acid substitution p.Asn110Thr. To our knowledge, this variant has not been reported in the literature or in a large population database (gnomAD), indicating this variant is rare. Of note, different rare substitutions at the same codon have been reported in individuals with nephrotic syndrome phenotypes (p.Asn110His in Suppl. Table 2 of Barua et al. 2013. PubMed ID: 23014460 and Riehle et al. 2016. PubMed ID: 26892346; p.Asn110Ser in Wang et al. 2020. PubMed ID: 32509715). Taken together, the c.329A>C (p.Asn110Thr) variant is interpreted as likely pathogenic.